The following is an entry in ClinVar:

ClinVar aggregate classification (germline): Uncertain significance. Review status: criteria provided, multiple submitters, no conflicts (2 of 4 stars). 3 submissions from 3 submitters: Uncertain significance (3). Last evaluated 2025-06-07.

Conditions:
Inborn genetic diseases. Identifiers: MedGen C0950123, MeSH D030342.

gnomAD v4.1: 27 of 1,514,350 alleles (0.0018%); highest among the groups gnomAD compares: Non-Finnish European, 0.0024%; no homozygotes.

Submissions (3):

Ambry Genetics
Classification: Uncertain significance for Inborn genetic diseases. Last evaluated: 2025-06-07. Review status: criteria provided, single submitter. Criteria: Ambry Variant Classification Scheme 2023. Collection method: clinical testing. Allele origin: germline.

Mayo Clinic Laboratories, Mayo Clinic
Classification: Uncertain significance. Last evaluated: 2025-02-20. Review status: criteria provided, single submitter. Criteria: ACMG Guidelines, 2015. Collection method: clinical testing. Allele origin: germline. Observed: 1 variant allele.

Labcorp Genetics (formerly Invitae), Labcorp
Classification: Uncertain significance. Last evaluated: 2022-03-01. Review status: criteria provided, single submitter. Criteria: Invitae Variant Classification Sherloc (09022015). Collection method: clinical testing. Allele origin: germline.
Comment: In summary, the available evidence is currently insufficient to determine the role of this variant in disease. Therefore, it has been classified as a Variant of Uncertain Significance. Algorithms developed to predict the effect of missense changes on protein structure and function are either unavailable or do not agree on the potential impact of this missense change (SIFT: "Deleterious"; PolyPhen-2: "Benign"; Align-GVGD: "Class C0"). This variant has not been reported in the literature in individuals affected with SPEG-related conditions. This variant is present in population databases (no rsID available, gnomAD 0.007%). This sequence change replaces arginine, which is basic and polar, with glycine, which is neutral and non-polar, at codon 2055 of the SPEG protein (p.Arg2055Gly).

NM_005876.5(SPEG):c.6163C>G (p.Arg2055Gly)

Genes: ASIC4-AS1 (ASIC4 antisense RNA 1; minus strand), SPEG (striated muscle enriched protein kinase; plus strand). Cytogenetic location: 2q35.
Variant type: single nucleotide variant.
Coding change: c.6163C>G on transcript NM_005876.5 (MANE Select); coding-DNA position 6163, C replaced by G.
Protein change: p.Arg2055Gly; replaces arginine 2055 with glycine.
Molecular consequence: missense variant.
Genome position (GRCh38, 1-based): chr2:219,483,626, C>G. VCF-style: chr2-219483626-C-G. GRCh37 (hg19) VCF-style: chr2-220348348-C-G.
Other names: p.Arg2055Gly; c.6163C>G (NM_005876.4); short protein forms R2055G.
Identifiers: ClinVar variation 2175711 (VCV002175711.4), dbSNP rs1262544317, ClinGen allele CA350696923.